The following is an entry in ClinVar:

NM_001754.5(RUNX1):c.1290G>T (p.Pro430=)

Gene: RUNX1 (RUNX family transcription factor 1; minus strand). Cytogenetic location: 21q22.12.
Variant type: single nucleotide variant.
Coding change: c.1290G>T on transcript NM_001754.5 (MANE Select); coding-DNA position 1290, G replaced by T.
Protein change: p.Pro430=; no amino-acid change (proline 430 retained).
Molecular consequence: synonymous variant.
Genome position (GRCh38, 1-based): chr21:34,792,288, C>A on the plus strand (G>T on the coding strand, the complement: RUNX1 is on the minus strand). VCF-style: chr21-34792288-C-A. GRCh37 (hg19) VCF-style: chr21-36164585-C-A.
Other names: NM_001754.5(RUNX1):c.1290G>T; p.Pro430=; c.1209G>T, p.Pro403= (NM_001001890.3).
Identifiers: ClinVar variation 2028071 (VCV002028071.5), dbSNP rs1336841746, ClinGen allele CA512341111.

ClinVar aggregate classification (germline): Likely benign. Review status: reviewed by expert panel (3 of 4 stars). 2 submissions from 2 submitters: Likely benign (1). 1 of the submissions does not count toward it. Last evaluated 2024-09-10.

Conditions:
Hereditary thrombocytopenia and hematological cancer predisposition syndrome associated with RUNX1. Also called: Familial Platelet Disorder with Propensity to Acute Myelogenous Leukemia; Familial thrombocytopenia with propensity to acute myelogenous leukemia; PLATELET DISORDER, ASPIRIN-LIKE; RUNX1 Familial Platelet Disorder with Associated Myeloid Malignancies. Identifiers: Orphanet 71290, MedGen C1832388, MeSH C563324, MONDO:0100083, OMIM 601399.
Hereditary thrombocytopenia and hematologic cancer predisposition syndrome. Identifiers: Orphanet 71290, MedGen CN281654, MONDO:0011071.

gnomAD v4.1: 1 of 1,540,096 alleles (0.000065%); no homozygotes.

Submissions (2):

ClinGen Myeloid Malignancy Variant Curation Expert Panel
Classification: Likely benign for Hereditary thrombocytopenia and hematologic cancer predisposition syndrome. Last evaluated: 2024-09-10. Review status: reviewed by expert panel. Criteria: ClinGen MyeloMalig ACMG Specifications v2. Collection method: curation. Allele origin: germline. Inheritance: Autosomal dominant inheritance.
Comment: NM_001754.5(RUNX1):c.1290G>T (p.Pro430=) is a synonymous variant which has a SpliceAI score ≤ 0.20 (0.0) (BP4). This variant has a SpliceAI score ≤ 0.20 (0.0) and evolutionary conservation algorithms predict the site as not being conserved (PhyloP score ≤ 2.0 (-0.25)) (BP7). This variant is completely absent from all population databases with at least 20x coverage for RUNX1 (PM2_Supporting). In summary, this variant meets criteria to be classified as likely benign. ACMG/AMP criteria applied, as specified by the Myeloid Malignancy Variant Curation Expert Panel for RUNX1: BP4, BP7, PM2_supporting.

Labcorp Genetics (formerly Invitae), Labcorp
Classification: Likely benign for Hereditary thrombocytopenia and hematological cancer predisposition syndrome associated with RUNX1. Last evaluated: 2023-04-12. Review status: criteria provided, single submitter. Criteria: Invitae Variant Classification Sherloc (09022015). Collection method: clinical testing. Allele origin: germline. Not counted in ClinVar's aggregate classification.